The following is an entry in ClinVar:

ClinVar aggregate classification (germline): Uncertain significance (1 of 4 stars; one submission).

Conditions:
Juvenile polyposis syndrome (JPS). Identifiers: Orphanet 2929, MedGen C0345893, MONDO:0017380, OMIM 174900.

Submission:

Labcorp Genetics (formerly Invitae), Labcorp
Classification: Uncertain significance for Juvenile polyposis syndrome. Last evaluated: 2017-04-08. Review status: criteria provided, single submitter. Criteria: Invitae Variant Classification Sherloc (09022015). Collection method: clinical testing. Allele origin: germline.
Comment: This variant is not present in population databases (ExAC no frequency) and has not been reported in the literature in individuals with a SMAD4-related disease. In summary, this variant is a novel missense change that is not predicted to affect protein function. There is no indication that it causes disease, but the available evidence is currently insufficient to prove that conclusively. Therefore, it has been classified as a Variant of Uncertain Significance. Algorithms developed to predict the effect of missense changes on protein structure and function (SIFT, PolyPhen-2, Align-GVGD) all suggest that this variant is likely to be tolerated, but these predictions have not been confirmed by published functional studies. This sequence change replaces valine with leucine at codon 158 of the SMAD4 protein (p.Val158Leu). The valine residue is highly conserved and there is a small physicochemical difference between valine and leucine.

NM_005359.6(SMAD4):c.472G>T (p.Val158Leu)

Gene: SMAD4 (SMAD family member 4; plus strand). Cytogenetic location: 18q21.2.
Variant type: single nucleotide variant.
Coding change: c.472G>T on transcript NM_005359.6 (MANE Select); coding-DNA position 472, G replaced by T.
Protein change: p.Val158Leu; replaces valine 158 with leucine.
Molecular consequence: missense variant.
Genome position (GRCh38, 1-based): chr18:51,054,798, G>T. VCF-style: chr18-51054798-G-T. GRCh37 (hg19) VCF-style: chr18-48581168-G-T.
Other names: short protein forms V158L.
Identifiers: ClinVar variation 460554 (VCV000460554.10), dbSNP rs1555685628, ClinGen allele CA402460614.